The following is an entry in ClinVar:

NM_001267550.2(TTN):c.52731_52732del (p.Arg17577fs)

Genes: TTN (titin; minus strand), TTN-AS1 (TTN antisense RNA 1; plus strand), LOC126806425 (BRD4-independent group 4 enhancer GRCh37_chr2:179471933-179473132; plus strand). Cytogenetic location: 2q31.2.
Variant type: Microsatellite.
Coding change: c.52731_52732del on transcript NM_001267550.2 (MANE Select); coding-DNA positions 52731 to 52732, 2 bases deleted (AG; older notation c.52731_52732delAG).
Protein change: p.Arg17577fs; shifts the reading frame from arginine 17577.
Molecular consequence: frameshift variant.
Genome position (GRCh38, 1-based): chr2:178,608,055-178,608,056, CT deleted on the plus strand (AG on the coding strand, the reverse complement: TTN is on the minus strand); deleting any 2 consecutive bases within chr2:178,608,055-178,608,058 gives the same sequence; the c. name uses the placement nearest the transcript's 3' end. VCF-style (leftmost placement, unchanged base first): chr2-178608054-ACT-A. GRCh37 (hg19) VCF-style: chr2-179472781-ACT-A.
Other names: c.52731_52732delAG (NM_001267550.2); c.47808_47809delAG (NM_001256850.1); c.26112_26113del, p.Arg8704fs (NM_133437.4); c.47808_47809del, p.Arg15936fs (NM_001256850.1); c.25536_25537del, p.Arg8512fs (NM_003319.4); c.45027_45028del, p.Arg15009fs (NM_133378.4); c.25911_25912del, p.Arg8637fs (NM_133432.3); c.25536_25537delAG (NM_003319.4); short protein forms R17577fs, R8637fs, R8704fs, R15936fs, R15009fs, R8512fs.
Identifiers: ClinVar variation 238798 (VCV000238798.14), dbSNP rs878854315, ClinGen allele CA10581864.
Genomic context (GRCh38, chr2:178,608,054, plus strand): 5'-CCACCATTGAAAGCTGGGGGTTCCCATTCTAGTTCAATAGTTGTAGAGCTTGTGTCAGTG[ACT>A]CTTGGGATAGGTGGCCCAGGAGGAGCTAGAATGAATGAAGATAGACAAATCAAACTCCCT-3'

ClinVar aggregate classification (germline): Pathogenic/Likely pathogenic. Review status: criteria provided, multiple submitters, no conflicts (2 of 4 stars). 4 submissions from 3 submitters: Pathogenic (1); Likely pathogenic (3). Last evaluated 2026-10-03.

Conditions:
Cardiovascular phenotype. Identifiers: MedGen CN230736.
Dilated cardiomyopathy 1G (CMD1G). Identifiers: Orphanet 154, MedGen C1858763, MONDO:0011400, OMIM 604145.
Autosomal recessive limb-girdle muscular dystrophy type 2J (LGMDR10). Also called: Limb-girdle muscular dystrophy, type 2J; MUSCULAR DYSTROPHY, LIMB-GIRDLE, AUTOSOMAL RECESSIVE 10. Identifiers: Orphanet 140922, MedGen C1837342, MONDO:0012127, OMIM 608807.

Submissions (4):

GeneDx
Classification: Pathogenic. Last evaluated: 2026-10-03. Review status: criteria provided, single submitter. Criteria: GeneDx Variant Classification Process June 2021. Collection method: clinical testing. Allele origin: germline.
Comment: Frameshift variant predicted to result in protein truncation or nonsense mediated decay in a gene for which loss of function is a known mechanism of disease; Not observed at significant frequency in large population cohorts (gnomAD); Has not been previously published as pathogenic or benign to our knowledge; Located in the A-band, a region of TTN for which truncating variants are significantly associated with autosomal dominant cardiomyopathy and also with autosomal recessive skeletal myopathies (PMID: 22335739, 32778822); This variant is associated with the following publications: (PMID: 24575448, 22335739, 32778822)

Ambry Genetics
Classification: Likely pathogenic for Cardiovascular phenotype. Last evaluated: 2024-04-20. Review status: criteria provided, single submitter. Criteria: Ambry Variant Classification Scheme 2023. Collection method: clinical testing. Allele origin: germline.
Comment: The c.25536_25537delAG variant, located in coding exon 103 of the TTN gene, results from a deletion of two nucleotides at nucleotide positions 25536 to 25537, causing a translational frameshift with a predicted alternate stop codon (p.R8512Sfs*3). This exon is located in the A-band region of the N2-B isoform of the titin protein and is constitutively expressed in TTN transcripts (percent spliced in or PSI 100%). This alteration is expected to result in loss of function by premature protein truncation or nonsense-mediated mRNA decay. While truncating variants in TTN are present in 1-3% of the general population, truncating variants in the A-band are the most common cause of dilated cardiomyopathy (DCM) (Herman DS et al. N. Engl. J. Med., 2012 Feb;366:619-28; Roberts AM et al. Sci Transl Med, 2015 Jan;7:270ra6). TTN truncating variants encoded in constitutive exons (PSI >90%) have been found to be significantly associated with DCM regardless of their position in titin (Schafer S et al. Nat. Genet., 2017 01;49:46-53). This variant is also considered to be rare based on population cohorts in the Genome Aggregation Database (gnomAD). Based on the majority of available evidence to date, this variant is likely to be pathogenic.

Labcorp Genetics (formerly Invitae), Labcorp
Classification: Likely pathogenic for Dilated cardiomyopathy 1G; Autosomal recessive limb-girdle muscular dystrophy type 2J. Last evaluated: 2023-05-26. Review status: criteria provided, single submitter. Criteria: Invitae Variant Classification Sherloc (09022015). Collection method: clinical testing. Allele origin: germline.
Comment: In summary, the currently available evidence indicates that the variant is pathogenic, but additional data are needed to prove that conclusively. Therefore, this variant has been classified as Likely Pathogenic. This variant is located in the A band of TTN (PMID: 25589632). Truncating variants in this region are significantly overrepresented in patients affected with dilated cardiomyopathy (PMID: 25589632). Truncating variants in this region have also been reported in individuals affected with autosomal recessive centronuclear myopathy (PMID: 23975875). ClinVar contains an entry for this variant (Variation ID: 238798). This variant has not been reported in the literature in individuals affected with TTN-related conditions. This variant is not present in population databases (gnomAD no frequency). This sequence change creates a premature translational stop signal (p.Arg17577Serfs*3) in the TTN gene. While this is not anticipated to result in nonsense mediated decay, it is expected to create a truncated TTN protein.

Labcorp Genetics (formerly Invitae), Labcorp
Classification: Likely pathogenic for Dilated cardiomyopathy 1G. Last evaluated: 2016-02-18. Review status: criteria provided, single submitter. Criteria: Invitae Variant Classification Sherloc (09022015). Collection method: clinical testing. Allele origin: germline.
Comment: This sequence change deletes 2 nucleotides from exon 276 of the TTN mRNA (c.52731_52732del), causing a frameshift at codon 17577. This creates a premature translational stop signal (p.Arg17577Serfs*3) and is expected to result in an absent or disrupted protein product. While this particular variant has not been reported in the literature, truncating variants in this region of TTN are likely pathogenic (PMID: 25589632). For these reasons, this variant has been classified as Likely Pathogenic.

Literature cited by the submitters: PubMed 25589632 (cited by Labcorp Genetics (formerly Invitae), Labcorp); PubMed 23975875 (cited by Labcorp Genetics (formerly Invitae), Labcorp).